The following is an entry in ClinVar:

NM_006516.4(SLC2A1):c.683T>C (p.Leu228Pro)

Gene: SLC2A1 (solute carrier family 2 member 1; minus strand). Cytogenetic location: 1p34.2.
Variant type: single nucleotide variant.
Coding change: c.683T>C on transcript NM_006516.4 (MANE Select); coding-DNA position 683, T replaced by C.
Protein change: p.Leu228Pro; replaces leucine 228 with proline.
Molecular consequence: missense variant.
Genome position (GRCh38, 1-based): chr1:42,929,777, A>G on the plus strand (T>C on the coding strand, the complement: SLC2A1 is on the minus strand). VCF-style: chr1-42929777-A-G. GRCh37 (hg19) VCF-style: chr1-43395448-A-G.
Other names: short protein forms L228P.
Identifiers: ClinVar variation 2756128 (VCV002756128.3), dbSNP rs2524992866, ClinGen allele CA339958332.

ClinVar aggregate classification (germline): Pathogenic (1 of 4 stars; one submission).

Conditions:
GLUT1 deficiency syndrome 1, autosomal recessive. Identifiers: MedGen C3149117.

Submission:

Labcorp Genetics (formerly Invitae), Labcorp
Classification: Pathogenic for GLUT1 deficiency syndrome 1, autosomal recessive. Last evaluated: 2023-08-01. Review status: criteria provided, single submitter. Criteria: Invitae Variant Classification Sherloc (09022015). Collection method: clinical testing. Allele origin: germline.
Comment: This sequence change replaces leucine, which is neutral and non-polar, with proline, which is neutral and non-polar, at codon 228 of the SLC2A1 protein (p.Leu228Pro). For these reasons, this variant has been classified as Pathogenic. This variant is not present in population databases (gnomAD no frequency). This missense change has been observed in individual(s) with clinical features of SCL2A1-related conditions (Invitae). In at least one individual the variant was observed to be de novo. Advanced modeling of protein sequence and biophysical properties (such as structural, functional, and spatial information, amino acid conservation, physicochemical variation, residue mobility, and thermodynamic stability) performed at Invitae indicates that this missense variant is expected to disrupt SLC2A1 protein function.